The following is an entry in ClinVar:

NM_003383.5(VLDLR):c.340C>T (p.Arg114Cys)

Gene: VLDLR (very low density lipoprotein receptor; plus strand). Cytogenetic location: 9p24.2.
Variant type: single nucleotide variant.
Coding change: c.340C>T on transcript NM_003383.5 (MANE Select); coding-DNA position 340, C replaced by T.
Protein change: p.Arg114Cys; replaces arginine 114 with cysteine.
Molecular consequence: missense variant. On other transcripts: intron variant (2).
Genome position (GRCh38, 1-based): chr9:2,641,391, C>T. VCF-style: chr9-2641391-C-T. GRCh37 (hg19) VCF-style: chr9-2641391-C-T.
Other names: c.340C>T, p.Arg114Cys (NM_001018056.3); c.325+1410C>T (NM_001322225.2, NM_001322226.2); c.340C>T (NM_003383.4); short protein forms R114C.
Identifiers: ClinVar variation 1691587 (VCV001691587.4), dbSNP rs369746738, ClinGen allele CA4964513.

ClinVar aggregate classification (germline): Uncertain significance. Review status: criteria provided, single submitter (1 of 4 stars). 2 submissions from 2 submitters: Uncertain significance (1). 1 of the submissions does not count toward it. Last evaluated 2024-02-14.

Conditions:
VLDLR-related disorder. Also called: VLDLR-related condition.

Allele frequency attached by ClinVar (database versions not stated): ESP Exome Variant Server 0.00008; gnomAD exomes 0.00008; TOPMed 0.00010; ExAC 0.00011; gnomAD 0.00014 and 0.00015.

Submissions (2):

GeneDx
Classification: Uncertain significance. Last evaluated: 2024-02-14. Review status: criteria provided, single submitter. Criteria: GeneDx Variant Classification Process June 2021. Collection method: clinical testing. Allele origin: germline. Affected: yes.
Comment: In silico analysis supports that this missense variant has a deleterious effect on protein structure/function; Has not been previously published as pathogenic or benign to our knowledge

PreventionGenetics, part of Exact Sciences
Classification: Uncertain significance for VLDLR-related condition. Last evaluated: 2024-07-30. Review status: no assertion criteria provided. Collection method: clinical testing. Allele origin: germline. Not counted in ClinVar's aggregate classification.
Comment: The VLDLR c.340C>T variant is predicted to result in the amino acid substitution p.Arg114Cys. To our knowledge, this variant has not been reported in the literature. This variant is reported in 0.016% of alleles in individuals of European (Non-Finnish) descent in gnomAD. At this time, the clinical significance of this variant is uncertain due to the absence of conclusive functional and genetic evidence.